The following is an entry in ClinVar:

NM_005045.4(RELN):c.1415G>A (p.Gly472Glu)

Genes: RELN (reelin; minus strand), LOC126860131 (MED14-independent group 3 enhancer GRCh37_chr7:103301048-103302247; plus strand). Cytogenetic location: 7q22.1.
Variant type: single nucleotide variant.
Coding change: c.1415G>A on transcript NM_005045.4 (MANE Select); coding-DNA position 1415, G replaced by A.
Protein change: p.Gly472Glu; replaces glycine 472 with glutamic acid.
Molecular consequence: missense variant.
Genome position (GRCh38, 1-based): chr7:103,661,402, C>T on the plus strand (G>A on the coding strand, the complement: RELN is on the minus strand). VCF-style: chr7-103661402-C-T. GRCh37 (hg19) VCF-style: chr7-103301849-C-T.
Other names: c.1415G>A, p.Gly472Glu (NM_173054.3); short protein forms G472E.
Identifiers: ClinVar variation 1061357 (VCV001061357.9), dbSNP rs2117412664, ClinGen allele CA368768037.

ClinVar aggregate classification (germline): Uncertain significance (1 of 4 stars; one submission).

Conditions:
Familial temporal lobe epilepsy 7. Identifiers: Orphanet 101046, MedGen C4225327, MONDO:0014639, OMIM 616436.
Norman-Roberts syndrome (LIS2). Also called: Lissencephaly 2 (Norman-Roberts type). Identifiers: Orphanet 89844, MedGen C0796089, MONDO:0009760, OMIM 257320.

gnomAD v4.1: 3 of 1,613,890 alleles (0.00019%); highest among the groups gnomAD compares: Non-Finnish European, 0.00025%; no homozygotes.

Submission:

Labcorp Genetics (formerly Invitae), Labcorp
Classification: Uncertain significance for Familial temporal lobe epilepsy 7; Norman-Roberts syndrome. Last evaluated: 2020-09-19. Review status: criteria provided, single submitter. Criteria: Invitae Variant Classification Sherloc (09022015). Collection method: clinical testing. Allele origin: germline.
Comment: In summary, the available evidence is currently insufficient to determine the role of this variant in disease. Therefore, it has been classified as a Variant of Uncertain Significance. Algorithms developed to predict the effect of missense changes on protein structure and function are either unavailable or do not agree on the potential impact of this missense change (SIFT: "Deleterious"; PolyPhen-2: "Probably Damaging"; Align-GVGD: "Class C0"). This variant has not been reported in the literature in individuals with RELN-related conditions. This variant is not present in population databases (ExAC no frequency). This sequence change replaces glycine with glutamic acid at codon 472 of the RELN protein (p.Gly472Glu). The glycine residue is highly conserved and there is a moderate physicochemical difference between glycine and glutamic acid.